The following is an entry in ClinVar:

ClinVar aggregate classification (germline): Uncertain significance. Review status: criteria provided, multiple submitters, no conflicts (2 of 4 stars). 3 submissions from 3 submitters: Uncertain significance (3). Last evaluated 2022-07-06.

Conditions:
Hereditary nonpolyposis colorectal neoplasms. Identifiers: MedGen C0009405, MeSH D003123.
Lynch syndrome. Identifiers: Orphanet 144, MedGen C4552100, MONDO:0005835. Disease mechanism: loss of function.
Hereditary cancer-predisposing syndrome. Also called: Neoplastic Syndromes, Hereditary; Hereditary neoplastic syndrome; Tumor predisposition; Hereditary Cancer Syndrome. Identifiers: Orphanet 140162, MedGen C0027672, MeSH D009386, MONDO:0015356.

Submissions (3):

Ambry Genetics
Classification: Uncertain significance for Hereditary cancer-predisposing syndrome. Last evaluated: 2022-07-06. Review status: criteria provided, single submitter. Criteria: Ambry Variant Classification Scheme 2023. Collection method: clinical testing. Allele origin: germline.
Comment: The p.A915T variant (also known as c.2743G>A), located in coding exon 4 of the MSH6 gene, results from a G to A substitution at nucleotide position 2743. The alanine at codon 915 is replaced by threonine, an amino acid with similar properties. This variant was identified in conjunction with MSH6 loss of heterozygosity in one tumor with unexplained MMRd and was classified as a variant of unknown significance by authors incorporating somatic data into a multifactorial model for variant classification (Shirts BH et al. Am. J. Hum. Genet., 2018 07;103:19-29). This amino acid position is highly conserved in available vertebrate species. In addition, this alteration is predicted to be deleterious by in silico analysis. Since supporting evidence is limited at this time, the clinical significance of this alteration remains unclear.

Labcorp Genetics (formerly Invitae), Labcorp
Classification: Uncertain significance for Hereditary nonpolyposis colorectal neoplasms. Last evaluated: 2022-04-07. Review status: criteria provided, single submitter. Criteria: Invitae Variant Classification Sherloc (09022015). Collection method: clinical testing. Allele origin: germline.
Comment: This sequence change replaces alanine, which is neutral and non-polar, with threonine, which is neutral and polar, at codon 915 of the MSH6 protein (p.Ala915Thr). This variant has not been reported in the literature in individuals affected with MSH6-related conditions. This variant is not present in population databases (gnomAD no frequency). In summary, the available evidence is currently insufficient to determine the role of this variant in disease. Therefore, it has been classified as a Variant of Uncertain Significance. Advanced modeling of protein sequence and biophysical properties (such as structural, functional, and spatial information, amino acid conservation, physicochemical variation, residue mobility, and thermodynamic stability) performed at Invitae indicates that this missense variant is expected to disrupt MSH6 protein function. ClinVar contains an entry for this variant (Variation ID: 619580).

University of Washington Department of Laboratory Medicine, University of Washington
Classification: Uncertain significance for Lynch syndrome. Last evaluated: 2018-05-01. Review status: criteria provided, single submitter. Criteria: Shirts BH et al. (Am J Hum Genet 2018). Collection method: clinical testing. Allele origin: somatic. Affected: yes.
Comment: MSH6 NM_000179.2:c.2743G>A has a 59.6% probability of pathogenicity based on combining prior probability from public data with a likelihood ratio of 0.16 to 1, generated from evidence of seeing this as a somatic mutation in a tumor with loss of heterozygosity at the MSH6 locus. See Shirts et al 2018, PMID 29887214.

Literature cited by the submitters: PubMed 29887214 (cited by Ambry Genetics).

NM_000179.3(MSH6):c.2743G>A (p.Ala915Thr)

Gene: MSH6 (mutS homolog 6; plus strand). Cytogenetic location: 2p16.3.
Variant type: single nucleotide variant.
Coding change: c.2743G>A on transcript NM_000179.3 (MANE Select); coding-DNA position 2743, G replaced by A.
Protein change: p.Ala915Thr; replaces alanine 915 with threonine.
Molecular consequence: missense variant.
Genome position (GRCh38, 1-based): chr2:47,800,726, G>A. VCF-style: chr2-47800726-G-A. GRCh37 (hg19) VCF-style: chr2-48027865-G-A.
Other names: c.2353G>A, p.Ala785Thr (NM_001281492.2); c.1837G>A, p.Ala613Thr (NM_001281493.2, NM_001281494.2); short protein forms A915T, A613T, A785T.
Identifiers: ClinVar variation 619580 (VCV000619580.10), dbSNP rs1558666565, ClinGen allele CA346755400.